The following is an entry in ClinVar:

ClinVar aggregate classification (germline): Uncertain significance (1 of 4 stars; one submission).

Allele frequency attached by ClinVar (database versions not stated): gnomAD 0.00005; TOPMed 0.00005; ESP Exome Variant Server 0.00016.
gnomAD v4.1: 22 of 1,567,518 alleles (0.0014%); highest among the groups gnomAD compares: African/African-American, 0.0095%; no homozygotes.

Submission:

Labcorp Genetics (formerly Invitae), Labcorp
Classification: Uncertain significance. Last evaluated: 2022-07-29. Review status: criteria provided, single submitter. Criteria: Invitae Variant Classification Sherloc (09022015). Collection method: clinical testing. Allele origin: germline.
Comment: This sequence change affects codon 513 of the MLPH mRNA. It is a 'silent' change, meaning that it does not change the encoded amino acid sequence of the MLPH protein. This variant also falls at the last nucleotide of exon 12, which is part of the consensus splice site for this exon. The frequency data for this variant in the population databases is considered unreliable, as metrics indicate poor data quality at this position in the gnomAD database. This variant has not been reported in the literature in individuals affected with MLPH-related conditions. Variants that disrupt the consensus splice site are a relatively common cause of aberrant splicing (PMID: 17576681, 9536098). Algorithms developed to predict the effect of sequence changes on RNA splicing suggest that this variant may create or strengthen a splice site. In summary, the available evidence is currently insufficient to determine the role of this variant in disease. Therefore, it has been classified as a Variant of Uncertain Significance.

Literature cited by the submitters: PubMed 17576681; PubMed 9536098.

NM_024101.7(MLPH):c.1539G>A (p.Pro513=)

Gene: MLPH (melanophilin; plus strand). Cytogenetic location: 2q37.3.
Variant type: single nucleotide variant.
Coding change: c.1539G>A on transcript NM_024101.7 (MANE Select); coding-DNA position 1539, G replaced by A.
Protein change: p.Pro513=; no amino-acid change (proline 513 retained).
Molecular consequence: synonymous variant. On other transcripts: non-coding transcript variant (1).
Genome position (GRCh38, 1-based): chr2:237,542,659, G>A. VCF-style: chr2-237542659-G-A. GRCh37 (hg19) VCF-style: chr2-238451302-G-A.
Other names: c.1455G>A, p.Pro485= (NM_001042467.3); c.1179G>A, p.Pro393= (NM_001281473.2); c.1110G>A, p.Pro370= (NM_001281474.2).
Identifiers: ClinVar variation 1910962 (VCV001910962.2), dbSNP rs151070956, ClinGen allele CA2190646.